The following is an entry in ClinVar:

NM_030957.4(ADAMTS10):c.602C>T (p.Pro201Leu)

Gene: ADAMTS10 (ADAM metallopeptidase with thrombospondin type 1 motif 10; minus strand). Cytogenetic location: 19p13.2.
Variant type: single nucleotide variant.
Coding change: c.602C>T on transcript NM_030957.4 (MANE Select); coding-DNA position 602, C replaced by T.
Protein change: p.Pro201Leu; replaces proline 201 with leucine.
Molecular consequence: missense variant.
Genome position (GRCh38, 1-based): chr19:8,601,136, G>A on the plus strand (C>T on the coding strand, the complement: ADAMTS10 is on the minus strand). VCF-style: chr19-8601136-G-A. GRCh37 (hg19) VCF-style: chr19-8666020-G-A.
Other names: short protein forms P201L.
Identifiers: ClinVar variation 1398904 (VCV001398904.7), dbSNP rs572980571, ClinGen allele CA9160768.

ClinVar aggregate classification (germline): Uncertain significance (1 of 4 stars; one submission).

Allele frequency attached by ClinVar (database versions not stated): gnomAD 0.00001; TOPMed 0.00001; 1000 Genomes Project 30x 0.00016; 1000 Genomes Project 0.00020.

Submission:

Labcorp Genetics (formerly Invitae), Labcorp
Classification: Uncertain significance. Last evaluated: 2022-07-21. Review status: criteria provided, single submitter. Criteria: Invitae Variant Classification Sherloc (09022015). Collection method: clinical testing. Allele origin: germline.
Comment: This variant is present in population databases (rs572980571, gnomAD 0.03%). In summary, the available evidence is currently insufficient to determine the role of this variant in disease. Therefore, it has been classified as a Variant of Uncertain Significance. Algorithms developed to predict the effect of missense changes on protein structure and function are either unavailable or do not agree on the potential impact of this missense change (SIFT: "Deleterious"; PolyPhen-2: "Benign"; Align-GVGD: "Class C0"). ClinVar contains an entry for this variant (Variation ID: 1398904). This variant has not been reported in the literature in individuals affected with ADAMTS10-related conditions. This sequence change replaces proline, which is neutral and non-polar, with leucine, which is neutral and non-polar, at codon 201 of the ADAMTS10 protein (p.Pro201Leu).